The following is an entry in ClinVar:

NM_001291303.3(FAT4):c.13498A>T (p.Ile4500Phe)

Gene: FAT4 (FAT atypical cadherin 4; plus strand). Cytogenetic location: 4q28.1.
Variant type: single nucleotide variant.
Coding change: c.13498A>T on transcript NM_001291303.3 (MANE Select); coding-DNA position 13498, A replaced by T.
Protein change: p.Ile4500Phe; replaces isoleucine 4500 with phenylalanine.
Molecular consequence: missense variant.
Genome position (GRCh38, 1-based): chr4:125,490,314, A>T. VCF-style: chr4-125490314-A-T. GRCh37 (hg19) VCF-style: chr4-126411469-A-T.
Other names: c.13495A>T, p.Ile4499Phe (NM_001291285.3); c.13492A>T, p.Ile4498Phe (NM_024582.6); short protein forms I4499F, I4498F, I4500F.
Identifiers: ClinVar variation 1469704 (VCV001469704.8), dbSNP rs2126096628, ClinGen allele CA358136736.

ClinVar aggregate classification (germline): Uncertain significance (1 of 4 stars; one submission).

Allele frequency attached by ClinVar (database versions not stated): gnomAD exomes below 0.00001.
gnomAD v4.1: 3 of 1,614,000 alleles (0.00019%); highest among the groups gnomAD compares: Non-Finnish European, 0.00017%; no homozygotes.

Submission:

Labcorp Genetics (formerly Invitae), Labcorp
Classification: Uncertain significance. Last evaluated: 2021-05-18. Review status: criteria provided, single submitter. Criteria: Invitae Variant Classification Sherloc (09022015). Collection method: clinical testing. Allele origin: germline.
Comment: This sequence change replaces isoleucine with phenylalanine at codon 4498 of the FAT4 protein (p.Ile4498Phe). The isoleucine residue is moderately conserved and there is a small physicochemical difference between isoleucine and phenylalanine. In summary, the available evidence is currently insufficient to determine the role of this variant in disease. Therefore, it has been classified as a Variant of Uncertain Significance. Advanced modeling of protein sequence and biophysical properties (such as structural, functional, and spatial information, amino acid conservation, physicochemical variation, residue mobility, and thermodynamic stability) performed at Invitae indicates that this missense variant is not expected to disrupt FAT4 protein function. This variant has not been reported in the literature in individuals with FAT4-related conditions. This variant is not present in population databases (ExAC no frequency).